The following is an entry in ClinVar:

ClinVar aggregate classification (germline): Uncertain significance (1 of 4 stars; one submission).

Conditions:
Progressive sclerosing poliodystrophy (MTDPS4A). Also called: ALPERS PROGRESSIVE INFANTILE POLIODYSTROPHY; NEURONAL DEGENERATION OF CHILDHOOD WITH LIVER DISEASE, PROGRESSIVE; Alpers Syndrome; ALPERS DIFFUSE DEGENERATION OF CEREBRAL GRAY MATTER WITH HEPATIC CIRRHOSIS; Alpers-Huttenlocher Syndrome; Mitochondrial DNA depletion syndrome 4A (Alpers type). Identifiers: Orphanet 726, MedGen C0205710, MONDO:0008758, OMIM 203700.

gnomAD v4.1: 1 of 1,613,368 alleles (0.000062%); highest among the groups gnomAD compares: Non-Finnish European, 0.000085%; no homozygotes.

Submission:

Labcorp Genetics (formerly Invitae), Labcorp
Classification: Uncertain significance for Progressive sclerosing poliodystrophy. Last evaluated: 2024-02-03. Review status: criteria provided, single submitter. Criteria: Invitae Variant Classification Sherloc (09022015). Collection method: clinical testing. Allele origin: germline.
Comment: This sequence change replaces serine, which is neutral and polar, with asparagine, which is neutral and polar, at codon 237 of the POLG protein (p.Ser237Asn). This variant is not present in population databases (gnomAD no frequency). This variant has not been reported in the literature in individuals affected with POLG-related conditions. Advanced modeling of protein sequence and biophysical properties (such as structural, functional, and spatial information, amino acid conservation, physicochemical variation, residue mobility, and thermodynamic stability) performed at Invitae indicates that this missense variant is not expected to disrupt POLG protein function with a negative predictive value of 95%. In summary, the available evidence is currently insufficient to determine the role of this variant in disease. Therefore, it has been classified as a Variant of Uncertain Significance.

NM_002693.3(POLG):c.710G>A (p.Ser237Asn)

Genes: POLG (DNA polymerase gamma, catalytic subunit; minus strand), POLGARF (POLG alternative reading frame; minus strand). Cytogenetic location: 15q26.1.
Variant type: single nucleotide variant.
Coding change: c.710G>A on transcript NM_002693.3 (MANE Select); coding-DNA position 710, G replaced by A.
Protein change: p.Ser237Asn; replaces serine 237 with asparagine.
Molecular consequence: missense variant. On other transcripts: synonymous variant (1).
Genome position (GRCh38, 1-based): chr15:89,330,226, C>T on the plus strand (G>A on the coding strand, the complement: POLG is on the minus strand). VCF-style: chr15-89330226-C-T. GRCh37 (hg19) VCF-style: chr15-89873457-C-T.
Other names: c.765G>A, p.Gln255= (NM_001430120.1); c.710G>A, p.Ser237Asn (NM_001126131.2); short protein forms S237N.
Identifiers: ClinVar variation 3624758 (VCV003624758.2).